The following is an entry in ClinVar:

NM_004168.4(SDHA):c.134C>T (p.Ala45Val)

Gene: SDHA (succinate dehydrogenase complex flavoprotein subunit A; plus strand). Cytogenetic location: 5p15.33.
Variant type: single nucleotide variant.
Coding change: c.134C>T on transcript NM_004168.4 (MANE Select); coding-DNA position 134, C replaced by T.
Protein change: p.Ala45Val; replaces alanine 45 with valine.
Molecular consequence: missense variant.
Genome position (GRCh38, 1-based): chr5:223,552, C>T. VCF-style: chr5-223552-C-T. GRCh37 (hg19) VCF-style: chr5-223667-C-T.
Other names: c.134C>T, p.Ala45Val (NM_001294332.2, NM_001330758.2); short protein forms A45V.
Identifiers: ClinVar variation 486376 (VCV000486376.13), dbSNP rs1553997190, ClinGen allele CA359008269.

ClinVar aggregate classification (germline): Uncertain significance. Review status: criteria provided, multiple submitters, no conflicts (2 of 4 stars). 3 submissions from 3 submitters: Uncertain significance (3). Last evaluated 2025-12-13.

Conditions:
Mitochondrial complex II deficiency, nuclear type 1. Also called: SUCCINATE CoQ REDUCTASE DEFICIENCY. Identifiers: Orphanet 3208, MedGen C5700310, MONDO:0100294, OMIM 252011.
Dilated cardiomyopathy 1GG (CMD1GG). Identifiers: Orphanet 154, MedGen C3150898, MONDO:0013339, OMIM 613642.
Neurodegeneration with ataxia and late-onset optic atrophy. Identifiers: MedGen C5543254, MONDO:0031006, OMIM 619259.
Pheochromocytoma/paraganglioma syndrome 5. Also called: Paragangliomas 5; SDHA-Related Hereditary Paraganglioma-Pheochromocytoma Syndrome. Identifiers: Orphanet 29072, MedGen C3279992, MONDO:0013602, OMIM 614165.
Hereditary cancer-predisposing syndrome. Also called: Neoplastic Syndromes, Hereditary; Hereditary Cancer Syndrome; Hereditary neoplastic syndrome; Tumor predisposition. Identifiers: Orphanet 140162, MedGen C0027672, MeSH D009386, MONDO:0015356.

gnomAD v4.1: 1 of 1,613,184 alleles (0.000062%); no homozygotes.

Submissions (3):

Labcorp Genetics (formerly Invitae), Labcorp
Classification: Uncertain significance for Pheochromocytoma/paraganglioma syndrome 5; Mitochondrial complex II deficiency, nuclear type 1. Last evaluated: 2025-12-13. Review status: criteria provided, single submitter. Criteria: Invitae Variant Classification Sherloc (09022015). Collection method: clinical testing. Allele origin: germline.
Comment: This sequence change replaces alanine, which is neutral and non-polar, with valine, which is neutral and non-polar, at codon 45 of the SDHA protein (p.Ala45Val). This variant is not present in population databases (gnomAD no frequency). This variant has not been reported in the literature in individuals affected with SDHA-related conditions. ClinVar contains an entry for this variant (Variation ID: 486376). Invitae Evidence Modeling of protein sequence and biophysical properties (such as structural, functional, and spatial information, amino acid conservation, physicochemical variation, residue mobility, and thermodynamic stability) indicates that this missense variant is not expected to disrupt SDHA protein function with a negative predictive value of 95%. In summary, the available evidence is currently insufficient to determine the role of this variant in disease. Therefore, it has been classified as a Variant of Uncertain Significance.

Fulgent Genetics
Classification: Uncertain significance for Mitochondrial complex II deficiency, nuclear type 1; Dilated cardiomyopathy 1GG; Pheochromocytoma/paraganglioma syndrome 5; Neurodegeneration with ataxia and late-onset optic atrophy. Last evaluated: 2024-05-29. Review status: criteria provided, single submitter. Criteria: ACMG Guidelines, 2015. Collection method: clinical testing. Allele origin: germline.

Ambry Genetics
Classification: Uncertain significance for Hereditary cancer-predisposing syndrome. Last evaluated: 2023-11-13. Review status: criteria provided, single submitter. Criteria: Ambry Variant Classification Scheme 2023. Collection method: clinical testing. Allele origin: germline.
Comment: The p.A45V variant (also known as c.134C>T), located in coding exon 2 of the SDHA gene, results from a C to T substitution at nucleotide position 134. The alanine at codon 45 is replaced by valine, an amino acid with similar properties. This amino acid position is well conserved in available vertebrate species. In addition, the in silico prediction for this alteration is inconclusive. Since supporting evidence is limited at this time, the clinical significance of this alteration remains unclear.